The following is an entry in ClinVar:

NM_001105206.3(LAMA4):c.5005A>G (p.Lys1669Glu)

Gene: LAMA4 (laminin subunit alpha 4; minus strand). Cytogenetic location: 6q21.
Variant type: single nucleotide variant.
Coding change: c.5005A>G on transcript NM_001105206.3 (MANE Select); coding-DNA position 5005, A replaced by G.
Protein change: p.Lys1669Glu; replaces lysine 1669 with glutamic acid.
Molecular consequence: missense variant.
Genome position (GRCh38, 1-based): chr6:112,115,970, T>C on the plus strand (A>G on the coding strand, the complement: LAMA4 is on the minus strand). VCF-style: chr6-112115970-T-C. GRCh37 (hg19) VCF-style: chr6-112437173-T-C.
Other names: p.K1662E:AAG>GAG; c.4984A>G, p.Lys1662Glu (NM_001105207.3, NM_002290.5); short protein forms K1662E, K1669E.
Identifiers: ClinVar variation 213608 (VCV000213608.19), dbSNP rs782716382, ClinGen allele CA324710.

ClinVar aggregate classification (germline): Uncertain significance. Review status: criteria provided, multiple submitters, no conflicts (2 of 4 stars). 4 submissions from 4 submitters: Uncertain significance (4). Last evaluated 2025-12-16.

Conditions:
Cardiovascular phenotype. Identifiers: MedGen CN230736.
Dilated cardiomyopathy 1JJ (CMD1JJ). Identifiers: Orphanet 154, MedGen C3808935, MONDO:0014095, OMIM 615235.

Allele frequency attached by ClinVar (database versions not stated): gnomAD exomes 0.00002; gnomAD 0.00004 and 0.00003; ExAC 0.00001; TOPMed 0.00005.
gnomAD v4.1: 39 of 1,613,102 alleles (0.0024%); highest among the groups gnomAD compares: Non-Finnish European, 0.0031%; no homozygotes.

Submissions (4):

Ambry Genetics
Classification: Uncertain significance for Cardiovascular phenotype. Last evaluated: 2025-12-16. Review status: criteria provided, single submitter. Criteria: Ambry Variant Classification Scheme 2023. Collection method: clinical testing. Allele origin: germline.
Comment: The p.K1662E variant (also known as c.4984A>G), located in coding exon 35 of the LAMA4 gene, results from an A to G substitution at nucleotide position 4984. The lysine at codon 1662 is replaced by glutamic acid, an amino acid with similar properties. This amino acid position is well conserved in available vertebrate species. In addition, the in silico prediction for this alteration is inconclusive. Since supporting evidence is limited at this time, the clinical significance of this alteration remains unclear.

Labcorp Genetics (formerly Invitae), Labcorp
Classification: Uncertain significance for Dilated cardiomyopathy 1JJ. Last evaluated: 2024-12-25. Review status: criteria provided, single submitter. Criteria: Invitae Variant Classification Sherloc (09022015). Collection method: clinical testing. Allele origin: germline.
Comment: This sequence change replaces lysine, which is basic and polar, with glutamic acid, which is acidic and polar, at codon 1662 of the LAMA4 protein (p.Lys1662Glu). This variant is present in population databases (rs782716382, gnomAD 0.004%). This variant has not been reported in the literature in individuals affected with LAMA4-related conditions. ClinVar contains an entry for this variant (Variation ID: 213608). An algorithm developed to predict the effect of missense changes on protein structure and function (PolyPhen-2) suggests that this variant is likely to be disruptive. In summary, the available evidence is currently insufficient to determine the role of this variant in disease. Therefore, it has been classified as a Variant of Uncertain Significance.

GeneDx
Classification: Uncertain significance. Last evaluated: 2022-06-07. Review status: criteria provided, single submitter. Criteria: GeneDx Variant Classification Process June 2021. Collection method: clinical testing. Allele origin: germline. Affected: yes.
Comment: Not observed at significant frequency in large population cohorts (gnomAD); In silico analysis supports that this missense variant does not alter protein structure/function; Has not been previously published as pathogenic or benign to our knowledge

Fulgent Genetics
Classification: Uncertain significance for Dilated cardiomyopathy 1JJ. Last evaluated: 2021-08-11. Review status: criteria provided, single submitter. Criteria: ACMG Guidelines, 2015. Collection method: clinical testing. Allele origin: unknown.